The following is an entry in ClinVar:

NM_000152.5(GAA):c.1326+1G>T

Gene: GAA (alpha glucosidase; plus strand). Cytogenetic location: 17q25.3.
Variant type: single nucleotide variant.
Coding change: c.1326+1G>T on transcript NM_000152.5 (MANE Select); the canonical splice donor site of the intron after coding-DNA position 1326, G replaced by T.
Molecular consequence: splice donor variant.
Genome position (GRCh38, 1-based): chr17:80,108,829, G>T. VCF-style: chr17-80108829-G-T. GRCh37 (hg19) VCF-style: chr17-78082628-G-T.
Other names: c.1326+1G>T (NM_001406741.1, NM_001406742.1, NM_001079803.3 and 1 more transcripts).
Identifiers: ClinVar variation 5003308 (VCV005003308.1).
Genomic context (GRCh38, chr17:80,108,829, plus strand): 5'-GACTTCCCGGCCATGGTGCAGGAGCTGCACCAGGGCGGCCGGCGCTACATGATGATCGTG[G>T]TGTGTGCCCCCACACTGTGGGTCTTTGGGAAGGGGGCCGCCCGGTGCCCAGTGGCTCCTT-3'

ClinVar aggregate classification (germline): Likely pathogenic (1 of 4 stars; one submission).

Conditions:
Glycogen storage disease, type II (IOPD). Also called: CARDIOMEGALIA GLYCOGENICA DIFFUSA; GLYCOGENOSIS, GENERALIZED, CARDIAC FORM; GSD II; Glucosidase acid-1,4-alpha deficiency; Pompe Disease; POMPE DISEASE, INFANTILE-ONSET. Identifiers: Orphanet 365, MedGen C0017921, MONDO:0009290, OMIM 232300.

gnomAD v4.1: 1 of 1,588,312 alleles (0.000063%); highest among the groups gnomAD compares: Admixed American, 0.0018%; no homozygotes.

Submission:

Myriad Genetics, Inc.
Classification: Likely pathogenic for Glycogen storage disease, type II. Last evaluated: 2026-06-09. Review status: criteria provided, single submitter. Criteria: Myriad Autosomal Dominant, Autosomal Recessive and X-Linked Classification Criteria (2023). Collection method: clinical testing. Allele origin: unknown.
Comment: NM_000152.3(GAA):c.1326+1G>T is a variant in a canonical splice site classified as likely pathogenic in the context of Pompe disease. c.1326+1G>T has not been observed in cases with relevant disease. Relevant functional assessments of this variant are not available in the literature. c.1326+1G>T has not been observed in referenced population frequency databases. In summary, NM_000152.3(GAA):c.1326+1G>T is a variant in a canonical splice site in a gene where loss of function is a known mechanism of disease and is predicted to disrupt protein function. Please note: this variant was assessed in the context of healthy population screening.